The following is an entry in ClinVar:

NM_145020.5(CFAP53):c.1357A>G (p.Met453Val)

Gene: CFAP53 (cilia and flagella associated protein 53; minus strand). Cytogenetic location: 18q21.1.
Variant type: single nucleotide variant.
Coding change: c.1357A>G on transcript NM_145020.5 (MANE Select); coding-DNA position 1357, A replaced by G.
Protein change: p.Met453Val; replaces methionine 453 with valine.
Molecular consequence: missense variant.
Genome position (GRCh38, 1-based): chr18:50,227,569, T>C on the plus strand (A>G on the coding strand, the complement: CFAP53 is on the minus strand). VCF-style: chr18-50227569-T-C. GRCh37 (hg19) VCF-style: chr18-47753939-T-C.
Other names: short protein forms M453V.
Identifiers: ClinVar variation 1485412 (VCV001485412.6), dbSNP rs202208883, ClinGen allele CA8962118.
Genomic context (GRCh38, chr18:50,227,569, plus strand): 5'-ACTCTCGGCGTTTCTCTTCCTTCTCTGCTTCTTGGGACTGCTGCTGGTAGGCGATTTGCA[T>C]CTGAAGTTGCTTCCTGTACTCCTGGGCTAAACGTTGGCGTCTAAAGTATTAGAAATGTCA-3'
Protein context (NP_659457.2, residues 443-463): LAQEYRKQLQ[Met453Val]QIAYQQQSQE

ClinVar aggregate classification (germline): Uncertain significance (1 of 4 stars; one submission).

Conditions:
Heterotaxy, visceral, 6, autosomal (HTX6). Also called: Heterotaxy, visceral, 6, autosomal recessive. Identifiers: Orphanet 450, MedGen C3553676, MONDO:0013887, OMIM 614779.

Allele frequency attached by ClinVar (database versions not stated): ExAC 0.00002; gnomAD 0.00003; TOPMed 0.00003; gnomAD exomes 0.00004; ESP Exome Variant Server 0.00008.
gnomAD v4.1: 36 of 1,614,108 alleles (0.0022%); highest among the groups gnomAD compares: Non-Finnish European, 0.00025%; no homozygotes.

Submission:

Labcorp Genetics (formerly Invitae), Labcorp
Classification: Uncertain significance for Heterotaxy, visceral, 6, autosomal. Last evaluated: 2021-12-07. Review status: criteria provided, single submitter. Criteria: Invitae Variant Classification Sherloc (09022015). Collection method: clinical testing. Allele origin: germline.
Comment: In summary, the available evidence is currently insufficient to determine the role of this variant in disease. Therefore, it has been classified as a Variant of Uncertain Significance. Algorithms developed to predict the effect of missense changes on protein structure and function are either unavailable or do not agree on the potential impact of this missense change (SIFT: "Not Available"; PolyPhen-2: "Possibly Damaging"; Align-GVGD: "Not Available"). This variant has not been reported in the literature in individuals affected with CFAP53-related conditions. This variant is present in population databases (rs202208883, gnomAD 0.09%). This sequence change replaces methionine, which is neutral and non-polar, with valine, which is neutral and non-polar, at codon 453 of the CFAP53 protein (p.Met453Val).